The following is an entry in ClinVar:

ClinVar aggregate classification (germline): Benign (0 of 4 stars; one submission).

Conditions:
PTPRD-related disorder. Also called: PTPRD-related condition.

Allele frequency attached by ClinVar (database versions not stated): gnomAD exomes 0.16063; ExAC 0.16218; ESP Exome Variant Server 0.16856; 1000 Genomes Project 0.17831; gnomAD 0.16982; 1000 Genomes Project 30x 0.17333; TOPMed 0.17827.
gnomAD v4.1: 260,071 of 1,612,196 alleles (16%); highest among the groups gnomAD compares: East Asian, 28%; 21,833 homozygotes.

Submission:

PreventionGenetics, part of Exact Sciences
Classification: Benign for PTPRD-related condition. Last evaluated: 2019-10-18. Review status: no assertion criteria provided. Collection method: clinical testing. Allele origin: germline.
Comment: This variant is classified as benign based on ACMG/AMP sequence variant interpretation guidelines (Richards et al. 2015 PMID: 25741868, with internal and published modifications).

NM_002839.4(PTPRD):c.3582T>C (p.Ala1194=)

Gene: PTPRD (protein tyrosine phosphatase receptor type D; minus strand). Cytogenetic location: 9p24.1.
Variant type: single nucleotide variant.
Coding change: c.3582T>C on transcript NM_002839.4 (MANE Select); coding-DNA position 3582, T replaced by C.
Protein change: p.Ala1194=; no amino-acid change (alanine 1194 retained).
Molecular consequence: synonymous variant.
Genome position (GRCh38, 1-based): chr9:8,465,598, A>G on the plus strand (T>C on the coding strand, the complement: PTPRD is on the minus strand). VCF-style: chr9-8465598-A-G. GRCh37 (hg19) VCF-style: chr9-8465598-A-G.
Other names: c.2340T>C, p.Ala780= (NM_001040712.2); c.2319T>C, p.Ala773= (NM_001171025.2); c.2331T>C, p.Ala777= (NM_001377946.1); c.2343T>C, p.Ala781= (NM_001377947.1); c.3585T>C, p.Ala1195= (NM_001377958.1); c.3582T>C, p.Ala1194= (NM_001378058.1); c.2349T>C, p.Ala783= (NM_130391.4, NM_130392.3); c.2334T>C, p.Ala778= (NM_130393.3).
Identifiers: ClinVar variation 3060813 (VCV003060813.2), dbSNP rs2281747, ClinGen allele CA4983754.
Genomic context (GRCh38, chr9:8,465,598, plus strand): 5'-AAATCCACCATAATGCTTGTCATCCCCCAGGGTGAACTCAGTGGGAAGGACATCAAAGTG[A>G]GCGGCAATATATGGCTTTAATTCAACTTCTCTCCCATAACGGATGCTTCTGCGCTTCCTA-3'
Protein context (NP_002830.1, residues 1184-1204): REVELKPYIA[Ala1194=]HFDVLPTEFT